The following is an entry in ClinVar:

NM_000384.3(APOB):c.4097T>C (p.Leu1366Ser)

Gene: APOB (apolipoprotein B; minus strand). Cytogenetic location: 2p24.1.
Variant type: single nucleotide variant.
Coding change: c.4097T>C on transcript NM_000384.3 (MANE Select); coding-DNA position 4097, T replaced by C.
Protein change: p.Leu1366Ser; replaces leucine 1366 with serine.
Molecular consequence: missense variant.
Genome position (GRCh38, 1-based): chr2:21,013,279, A>G on the plus strand (T>C on the coding strand, the complement: APOB is on the minus strand). VCF-style: chr2-21013279-A-G. GRCh37 (hg19) VCF-style: chr2-21236151-A-G.
Other names: short protein forms L1366S.
Identifiers: ClinVar variation 2502176 (VCV002502176.2), dbSNP rs2465380963, ClinGen allele CA346007630.
Genomic context (GRCh38, chr2:21,013,279, plus strand): 5'-CGAAGGCTGAAATGGTCTGTGCTGGTGTTGCCACCACTGTAGGAGGCGGACCAGTTGTAC[A>G]AGTTGCTGTAGACATTCGTGGAGAGGTCTAGAACACCCAGGAGAGGCACTTGCAGTTGAT-3'
Protein context (NP_000375.3, residues 1356-1376): LDLSTNVYSN[Leu1366Ser]YNWSASYSGG

ClinVar aggregate classification (germline): Uncertain significance (1 of 4 stars; one submission).

Conditions:
Familial hypobetalipoproteinemia 1. Also called: APOB-Related Familial Hypobetalipoproteinemia; Hypobetalipoproteinemia, normotriglyceridemic; Acanthocytosis with hypobetalipoproteinemia. Identifiers: MedGen C4551990, MONDO:0014252, OMIM 615558.
Hypercholesterolemia, autosomal dominant, type B (FHCL2). Also called: APOLIPOPROTEIN B-100, FAMILIAL DEFECTIVE; APOLIPOPROTEIN B-100, FAMILIAL LIGAND-DEFECTIVE; HYPERCHOLESTEROLEMIA, FAMILIAL, DUE TO LIGAND-DEFECTIVE APOLIPOPROTEIN B; Familial Hypercholesterolemia Type B; APOB-Related Familial Hypercholesterolemia, Autosomal Dominant; Hyperlipoproteinemia Type IIb. Identifiers: MedGen C1704417, MONDO:0007751, OMIM 144010.

Submission:

New York Genome Center
Classification: Uncertain significance for Familial hypobetalipoproteinemia 1; Hypercholesterolemia, autosomal dominant, type B. Last evaluated: 2022-06-07. Review status: criteria provided, single submitter. Criteria: NYGC Assertion Criteria 2020. Collection method: clinical testing. Allele origin: germline. Observed: 1 heterozygote.
Comment: The c.4097T>C, p.(Leu1366Ser) variant identified in the APOB gene has not previously been reported in the literature nor has it been deposited in ClinVar. The c.4097T>C variant is absent from population databases (gnomAD v2.1.1 and v3.1.2, TOPMed Freeze 8), suggesting it is not a common benign variant in the populations represented in those databases. The c.4097T>C variant is located in exon 25 of this 29-exon gene, and the predicted p.(Leu1366Ser) variant replaces a Leucine amino acid with Serine at position 1366/4564. In silico predictions are not in favor of deleterious effect of the variant on the encoded protein (REVEL= 0.085). Based on available evidence this c.4097T>C p.(Leu1366Ser) variant identified in the APOB gene is classified as a Variant of Uncertain Significance.